The following is an entry in ClinVar:

NM_018136.5(ASPM):c.9178C>T (p.Gln3060Ter)

Gene: ASPM (assembly factor for spindle microtubules; minus strand). Cytogenetic location: 1q31.3.
Variant type: single nucleotide variant.
Coding change: c.9178C>T on transcript NM_018136.5 (MANE Select); coding-DNA position 9178, C replaced by T.
Protein change: p.Gln3060Ter; replaces glutamine 3060 with a stop codon.
Molecular consequence: nonsense.
Genome position (GRCh38, 1-based): chr1:197,093,168, G>A on the plus strand (C>T on the coding strand, the complement: ASPM is on the minus strand). VCF-style: chr1-197093168-G-A. GRCh37 (hg19) VCF-style: chr1-197062298-G-A.
Other names: c.4423C>T, p.Gln1475Ter (NM_001206846.2); short protein forms Q3060*, Q1475*.
Identifiers: ClinVar variation 4960 (VCV000004960.24), dbSNP rs137852994, ClinGen allele CA340325.

ClinVar aggregate classification (germline): Pathogenic. Review status: criteria provided, multiple submitters, no conflicts (2 of 4 stars). 11 submissions from 11 submitters: Pathogenic (9). 2 of the submissions do not count toward it. Last evaluated 2026-09-17.

Conditions:
ASPM-related disorder. Also called: ASPM-related condition.
Inborn genetic diseases. Identifiers: MedGen C0950123, MeSH D030342.
Autosomal recessive primary microcephaly. Identifiers: Orphanet 2512, MedGen C3711387, MONDO:0016660.
Microcephaly 5, primary, autosomal recessive (MCPH5). Also called: ASPM Primary Microcephaly. Identifiers: Orphanet 2512, MedGen C1837501, MONDO:0012106, OMIM 608716.

Allele frequency attached by ClinVar (database versions not stated): gnomAD exomes 0.00002; ExAC 0.00003; gnomAD 0.00015; 1000 Genomes Project 30x 0.00031; TOPMed 0.00033; 1000 Genomes Project 0.00040.
gnomAD v4.1: 35 of 1,612,270 alleles (0.0022%); highest among the groups gnomAD compares: Admixed American, 0.05%; no homozygotes.

Submissions (11):

PreventionGenetics, part of Exact Sciences
Classification: Pathogenic for ASPM-related condition. Last evaluated: 2026-09-17. Review status: criteria provided, single submitter. Criteria: ACMG Guidelines, 2015. Collection method: clinical testing. Allele origin: germline.
Comment: The ASPM c.9178C>T variant is predicted to result in premature protein termination (p.Gln3060*). This variant has been reported in the homozygous state in individuals with primary microcephaly (Kumar et al. 2004. PubMed ID: 15355437; Tan et al. 2014. PubMed ID: 23611254). This variant is reported in 0.014% of alleles in individuals of Latino descent in gnomAD. Nonsense variants in ASPM are expected to be pathogenic and this variant has been consistently interpreted as pathogenic by other laboratories in the ClinVar database (Variation ID: 4960). This variant is interpreted as pathogenic.

Labcorp Genetics (formerly Invitae), Labcorp
Classification: Pathogenic. Last evaluated: 2025-09-30. Review status: criteria provided, single submitter. Criteria: Invitae Variant Classification Sherloc (09022015). Collection method: clinical testing. Allele origin: germline.
Comment: This sequence change creates a premature translational stop signal (p.Gln3060*) in the ASPM gene. It is expected to result in an absent or disrupted protein product. Loss-of-function variants in ASPM are known to be pathogenic (PMID: 19028728, 23611254). This variant is present in population databases (rs137852994, gnomAD 0.01%). This premature translational stop signal has been observed in individuals with primary microcephaly (PMID: 15355437, 19028728, 23611254). ClinVar contains an entry for this variant (Variation ID: 4960). For these reasons, this variant has been classified as Pathogenic.

Ambry Genetics
Classification: Pathogenic for Inborn genetic diseases. Last evaluated: 2024-11-20. Review status: criteria provided, single submitter. Criteria: Ambry Variant Classification Scheme 2023. Collection method: clinical testing. Allele origin: germline.
Comment: The c.9178C>T (p.Q3060*) alteration, located in exon 21 (coding exon 21) of the ASPM gene, consists of a C to T substitution at nucleotide position 9178. This alteration is expected to result in loss of function by premature protein truncation or nonsense-mediated mRNA decay. Based on data from gnomAD, the T allele has an overall frequency of 0.002% (5/281152) total alleles studied. The highest observed frequency was 0.014% (5/35320) of Latino alleles. This variant has been identified in the homozygous state in individuals with features consistent with ASPM-related microcephaly (Tan, 2014; Kumar, 2004). Based on the available evidence, this alteration is classified as pathogenic.

Genome-Nilou Lab
Classification: Pathogenic for Microcephaly 5, primary, autosomal recessive. Last evaluated: 2023-04-11. Review status: criteria provided, single submitter. Criteria: ACMG Guidelines, 2015. Collection method: clinical testing. Allele origin: germline. Affected: no.

GeneDx
Classification: Pathogenic. Last evaluated: 2022-03-21. Review status: criteria provided, single submitter. Criteria: GeneDx Variant Classification Process June 2021. Collection method: clinical testing. Allele origin: germline. Affected: yes.
Comment: Nonsense variant predicted to result in protein truncation or nonsense mediated decay in a gene for which loss-of-function is a known mechanism of disease; Not observed at significant frequency in large population cohorts (gnomAD); This variant is associated with the following publications: (PMID: 25525159, 23611254, 15355437, 30086807, 19028728)

Revvity Omics, Revvity
Classification: Pathogenic for Microcephaly 5, primary, autosomal recessive. Last evaluated: 2020-10-20. Review status: criteria provided, single submitter. Criteria: ACMG Guidelines, 2015. Collection method: clinical testing. Allele origin: germline.

Women's Health and Genetics/Laboratory Corporation of America, LabCorp
Classification: Pathogenic for Primary autosomal recessive microcephaly. Last evaluated: 2019-08-07. Review status: criteria provided, single submitter. Criteria: LabCorp Variant Classification Summary - May 2015. Collection method: clinical testing. Allele origin: germline.
Comment: Variant summary: ASPM c.9178C>T (p.Gln3060X) results in a premature termination codon, predicted to cause a truncation of the encoded protein or absence of the protein due to nonsense mediated decay, which are commonly known mechanisms for disease. The variant allele was found at a frequency of 1.6e-05 in 249856 control chromosomes (gnomAD). c.9178C>T has been reported in the literature in individuals affected with Primary autosomal recessive microcephaly (e.g. Kumar_2004). These data indicate that the variant is likely to be associated with disease. To our knowledge, no experimental evidence demonstrating an impact on protein function has been reported. Two ClinVar submitters (evaluation after 2014) cite the variant as pathogenic. Based on the evidence outlined above, the variant was classified as pathogenic.

Athena Diagnostics
Classification: Pathogenic. Last evaluated: 2018-05-14. Review status: criteria provided, single submitter. Criteria: Athena Diagnostics Criteria. Collection method: clinical testing. Allele origin: germline.

Genetic Services Laboratory, University of Chicago
Classification: Pathogenic for Microcephaly 5, primary, autosomal recessive. Last evaluated: 2013-02-08. Review status: criteria provided, single submitter. Criteria: ACMG Guidelines, 2007. Collection method: clinical testing. Allele origin: germline. Inheritance: Autosomal recessive inheritance. Affected: yes.

OMIM
Classification: Pathogenic for MICROCEPHALY 5, PRIMARY, AUTOSOMAL RECESSIVE. Last evaluated: 2004-10-01. Review status: no assertion criteria provided. Collection method: literature only. Allele origin: germline. Not counted in ClinVar's aggregate classification.

GeneReviews
No classification provided. Condition: Microcephaly 5, primary, autosomal recessive. Review status: no classification provided. Collection method: literature only. Allele origin: unknown. Not counted in ClinVar's aggregate classification.

Literature cited by the submitters: PubMed 19028728 (cited by 3 submitters); PubMed 23611254 (cited by 3 submitters); PubMed 15355437 (cited by 5 submitters); PubMed 25525159 (cited by Athena Diagnostics); PubMed 20301772 (cited by GeneReviews); NCBI Bookshelf NBK9587 (cited by GeneReviews).